The following is an entry in ClinVar:

NM_006736.6(DNAJB2):c.524A>G (p.Gln175Arg)

Gene: DNAJB2 (DnaJ heat shock protein family (Hsp40) member B2; plus strand). Cytogenetic location: 2q35.
Variant type: single nucleotide variant.
Coding change: c.524A>G on transcript NM_006736.6 (MANE Select); coding-DNA position 524, A replaced by G.
Protein change: p.Gln175Arg; replaces glutamine 175 with arginine.
Molecular consequence: missense variant.
Genome position (GRCh38, 1-based): chr2:219,283,211, A>G. VCF-style: chr2-219283211-A-G. GRCh37 (hg19) VCF-style: chr2-220147933-A-G.
Other names: c.524A>G, p.Gln175Arg (NM_001039550.2); short protein forms Q175R.
Identifiers: ClinVar variation 580253 (VCV000580253.9), dbSNP rs1559286796, ClinGen allele CA350650486.

ClinVar aggregate classification (germline): Uncertain significance (1 of 4 stars; one submission).

Conditions:
Neuronopathy, distal hereditary motor, autosomal recessive 5. Also called: NEUROPATHY, DISTAL HEREDITARY MOTOR, AUTOSOMAL RECESSIVE 5; Spinal muscular atrophy, distal, autosomal recessive, 5; Young adult-onset distal hereditary motor neuropathy. Identifiers: Orphanet 314485, Orphanet 443950, MedGen C4749918, MONDO:0013947, OMIM 614881.

Allele frequency attached by ClinVar (database versions not stated): gnomAD exomes below 0.00001.
gnomAD v4.1: 6 of 1,614,124 alleles (0.00037%); highest among the groups gnomAD compares: Non-Finnish European, 0.00042%; no homozygotes.

Submission:

Labcorp Genetics (formerly Invitae), Labcorp
Classification: Uncertain significance for Neuronopathy, distal hereditary motor, autosomal recessive 5. Last evaluated: 2018-06-09. Review status: criteria provided, single submitter. Criteria: Invitae Variant Classification Sherloc (09022015). Collection method: clinical testing. Allele origin: germline.
Comment: In summary, the available evidence is currently insufficient to determine the role of this variant in disease. Therefore, it has been classified as a Variant of Uncertain Significance. Algorithms developed to predict the effect of missense changes on protein structure and function (SIFT, PolyPhen-2, Align-GVGD) all suggest that this variant is likely to be tolerated, but these predictions have not been confirmed by published functional studies and their clinical significance is uncertain. This variant has not been reported in the literature in individuals with DNAJB2-related disease. This variant is not present in population databases (ExAC no frequency). This sequence change replaces glutamine with arginine at codon 175 of the DNAJB2 protein (p.Gln175Arg). The glutamine residue is moderately conserved and there is a small physicochemical difference between glutamine and arginine.